The following is an entry in ClinVar:

NM_170707.4(LMNA):c.1072G>A (p.Glu358Lys)

Gene: LMNA (lamin A/C; plus strand). Cytogenetic location: 1q22.
Variant type: single nucleotide variant.
Coding change: c.1072G>A on transcript NM_170707.4 (MANE Select); coding-DNA position 1072, G replaced by A.
Protein change: p.Glu358Lys; replaces glutamic acid 358 with lysine.
Molecular consequence: missense variant.
Genome position (GRCh38, 1-based): chr1:156,136,036, G>A. VCF-style: chr1-156136036-G-A. GRCh37 (hg19) VCF-style: chr1-156105827-G-A.
Other names: c.736G>A, p.Glu246Lys (NM_001257374.3); c.829G>A, p.Glu277Lys (NM_001282624.2); c.1072G>A, p.Glu358Lys (NM_001282625.2, NM_001282626.2, NM_005572.4 and 1 more transcripts); short protein forms E358K, E246K, E277K.
Identifiers: ClinVar variation 14525 (VCV000014525.32), dbSNP rs60458016, ClinGen allele CA016555.

ClinVar aggregate classification (germline): Pathogenic. Review status: criteria provided, multiple submitters, no conflicts (2 of 4 stars). 14 submissions from 13 submitters: Pathogenic (11). 3 of the submissions do not count toward it. Last evaluated 2025-01-27.

Conditions:
Charcot-Marie-Tooth disease type 2. Also called: Charcot-Marie-Tooth type 2. Identifiers: Orphanet 64746, MedGen C0270914, MONDO:0018993.
Emery-Dreifuss muscular dystrophy (EDMD). Also called: Scapuloperoneal syndrome, X-linked (formerly); Humeroperoneal neuromuscular disease, (formerly). Identifiers: Orphanet 261, MedGen C0410189, MONDO:0016830.
Emery-Dreifuss muscular dystrophy 2, autosomal dominant (EDMD2). Also called: HAUPTMANN-THANNHAUSER MUSCULAR DYSTROPHY; MUSCULAR DYSTROPHY WITH EARLY CONTRACTURES AND CARDIOMYOPATHY, AUTOSOMAL DOMINANT; SCAPULOILIOPERONEAL ATROPHY WITH CARDIOPATHY; Limb-girdle muscular dystrophy, type 1B; Muscular dystrophy, proximal, type 1B; Benign scapuloperoneal muscular dystrophy with cardiomyopathy. Identifiers: Orphanet 261, Orphanet 264, MedGen C0410190, MONDO:0021569, OMIM 181350.
Congenital muscular dystrophy due to LMNA mutation. Also called: Congenital muscular dystrophy, LMNA-related; Lamin A-related Congenital Muscular Dystrophy. Identifiers: Orphanet 157973, MedGen C2750785, MONDO:0013178, OMIM 613205.
Muscular dystrophy. Identifiers: Orphanet 98473, MedGen C0026850, MeSH D009136, MONDO:0020121, HP:0003560.

Submissions (14):

GeneDx
Classification: Pathogenic. Last evaluated: 2025-01-27. Review status: criteria provided, single submitter. Criteria: GeneDx Variant Classification Process June 2021. Collection method: clinical testing. Allele origin: germline. Affected: yes.
Comment: Published functional studies demonstrate a damaging effect (PMID: 11792809, 23427149); Not observed at significant frequency in large population cohorts (gnomAD); In silico analysis supports that this missense variant has a deleterious effect on protein structure/function; This variant is associated with the following publications: (PMID: 34862408, 34565751, 11503164, 15148145, 20848652, 31066050, 10762524, 18551513, 23183350, 23427149, 20980393, 23142632, 21632249, 24508248, 10939567, 31498906, 31127727, 31548606, 15372542, 21520333, 30055862, 17377071, 11532159, 18691775, 28214269, 28182637, 34240052, 32571898, 34008892, 12783988, 32721234, 33124102, 36697461, 36129056, 34487530, 16218190, 11792809)

3billion
Classification: Pathogenic for Congenital muscular dystrophy due to LMNA mutation. Last evaluated: 2025-01-19. Review status: criteria provided, single submitter. Criteria: ACMG Guidelines, 2015. Collection method: clinical testing. Allele origin: germline. Affected: yes.
Comment: The variant is not observed in the gnomAD v4.1.0 dataset. Predicted Consequence/Location: Missense variant Functional studies provide strong evidence of the variant having a damaging effect on the gene or gene product (PMID: 11792809). In silico tool predictions suggest damaging effect of the variant on gene or gene product [REVEL: 0.95 (>=0.6, sensitivity 0.68 and specificity 0.92); 3Cnet: 1.00 (>=0.6, sensitivity 0.72 and precision 0.9)]. The same nucleotide change resulting in the same amino acid change has been previously reported as pathogenic/likely pathogenic with strong evidence (ClinVar ID: VCV000014525 /PMID: 10939567). The variant has been observed in multiple (>3) similarly affected unrelated individuals (PMID: 10939567, 21632249, 23183350, 24508248). The variant has been previously reported as assumed (i.e. paternity and maternity not confirmed) de novo in at least one similarly affected unrelated individual (PMID: 10939567). A different missense change at the same codon (p.Glu358Gly) has been reported to be associated with LMNA-related disorder (ClinVar ID: VCV000265834 /PMID: 29253866). Therefore, this variant is classified as Pathogenic according to the recommendation of ACMG/AMP guideline.

Labcorp Genetics (formerly Invitae), Labcorp
Classification: Pathogenic for Charcot-Marie-Tooth disease type 2. Last evaluated: 2025-01-06. Review status: criteria provided, single submitter. Criteria: Invitae Variant Classification Sherloc (09022015). Collection method: clinical testing. Allele origin: germline.
Comment: This sequence change replaces glutamic acid, which is acidic and polar, with lysine, which is basic and polar, at codon 358 of the LMNA protein (p.Glu358Lys). This variant is not present in population databases (gnomAD no frequency). This missense change has been observed in individual(s) with autosomal dominant LMNA-related conditions (PMID: 10939567, 20980393, 21520333, 21632249, 23183350, 24508248). In at least one individual the variant was observed to be de novo. ClinVar contains an entry for this variant (Variation ID: 14525). Invitae Evidence Modeling of protein sequence and biophysical properties (such as structural, functional, and spatial information, amino acid conservation, physicochemical variation, residue mobility, and thermodynamic stability) indicates that this missense variant is expected to disrupt LMNA protein function with a positive predictive value of 95%. Experimental studies have shown that this missense change affects LMNA function (PMID: 11792809, 23427149). For these reasons, this variant has been classified as Pathogenic.

Genetics and Genomic Medicine Centre, NeuroGen Healthcare, NeuroGen Healthcare
Classification: Pathogenic for Congenital muscular dystrophy due to LMNA mutation. Last evaluated: 2024-05-20. Review status: criteria provided, single submitter. Criteria: ACMG Guidelines, 2015. Collection method: clinical testing. Allele origin: unknown. Affected: yes.

Clinical Genetics Laboratory, Skane University Hospital Lund
Classification: Pathogenic. Last evaluated: 2022-05-27. Review status: criteria provided, single submitter. Criteria: ACMG Guidelines, 2015. Collection method: clinical testing. Allele origin: germline. Affected: yes.

Revvity Omics, Revvity
Classification: Pathogenic. Last evaluated: 2021-11-19. Review status: criteria provided, single submitter. Criteria: ACMG Guidelines, 2015. Collection method: clinical testing. Allele origin: germline.

Laboratory of Medical Genetics, National & Kapodistrian University of Athens
Classification: Pathogenic for Emery-Dreifuss muscular dystrophy 2, autosomal dominant. Last evaluated: 2021-10-01. Review status: criteria provided, single submitter. Criteria: ACMG Guidelines, 2015. Collection method: clinical testing. Allele origin: de novo. Affected: yes.
Comment: PM1, PM2, PP2, PP3, PP5

Johns Hopkins Genomics, Johns Hopkins University
Classification: Pathogenic. Last evaluated: 2021-05-23. Review status: criteria provided, single submitter. Criteria: ACMG Guidelines, 2015. Collection method: clinical testing. Allele origin: germline.

Women's Health and Genetics/Laboratory Corporation of America, LabCorp
Classification: Pathogenic for Emery-Dreifuss muscular dystrophy. Last evaluated: 2021-05-12. Review status: criteria provided, single submitter. Criteria: LabCorp Variant Classification Summary - May 2015. Collection method: clinical testing. Allele origin: germline.
Comment: Variant summary: LMNA c.1072G>A (p.Glu358Lys) results in a conservative amino acid change located in the rod domain (IPR039008) of the encoded protein sequence. Four of five in-silico tools predict a damaging effect of the variant on protein function. The variant was absent in 251348 control chromosomes (gnomAD). c.1072G>A has been reported in the literature (usually as a de novo variant) in several individuals affected with typical- and atypical forms of Autosomal Dominant Emery-Dreifuss Muscular Dystrophy, with- or without cardiac involvement (see e.g. Mercuri_2004, Quijano-Roy_2008, van Rijsingen_2013, Pasqualin_2014, Fan_2021); in general most of the patients had muscle involvement, but the onset, severity, distribution of muscle weakness, and presence of associated features were highly variable. These data indicate that the variant is very likely to be associated with disease. Publications also reported experimental evidence evaluating an impact on protein function and demonstrated abnormal intranuclear localization of the variant protein, which was associated with defective nuclear stability (Ostlund_2001, Zwerger_2013). Two clinical diagnostic laboratories have submitted clinical-significance assessments for this variant to ClinVar after 2014 , and both of them classified the variant as pathogenic. Based on the evidence outlined above, the variant was classified as pathogenic.

Eurofins Ntd Llc (ga)
Classification: Pathogenic. Last evaluated: 2016-10-04. Review status: criteria provided, single submitter. Criteria: EGL Classification Definitions 2015. Collection method: clinical testing. Allele origin: germline. Observed: 4 variant alleles, 4 heterozygotes.

Genetic Services Laboratory, University of Chicago
Classification: Pathogenic for Muscular dystrophy. Last evaluated: 2013-02-08. Review status: criteria provided, single submitter. Criteria: ACMG Guidelines, 2007. Collection method: clinical testing. Allele origin: germline. Affected: yes.

OMIM
Classification: Pathogenic for EMERY-DREIFUSS MUSCULAR DYSTROPHY, AUTOSOMAL DOMINANT. Last evaluated: 2008-08-01. Review status: no assertion criteria provided. Collection method: literature only. Allele origin: germline. Not counted in ClinVar's aggregate classification.

OMIM
Classification: Pathogenic for MUSCULAR DYSTROPHY, CONGENITAL, LMNA-RELATED. Last evaluated: 2008-08-01. Review status: no assertion criteria provided. Collection method: literature only. Allele origin: germline. Not counted in ClinVar's aggregate classification.

Epithelial Biology;  Institute of Medical Biology, Singapore
No classification provided. Review status: no classification provided. Collection method: not provided. Allele origin: not provided. Not counted in ClinVar's aggregate classification.

Literature cited by the submitters: PubMed 10939567 (cited by 3 submitters); PubMed 29253866 (cited by 3billion); PubMed 23183350 (cited by 3 submitters); PubMed 21632249 (cited by 3billion and Labcorp Genetics (formerly Invitae), Labcorp); PubMed 24508248 (cited by 3 submitters); PubMed 11792809 (cited by 4 submitters); PubMed 20980393 (cited by Labcorp Genetics (formerly Invitae), Labcorp); PubMed 21520333 (cited by Labcorp Genetics (formerly Invitae), Labcorp); PubMed 23427149 (cited by 3 submitters); PubMed 34008892 (cited by Laboratory of Medical Genetics, National & Kapodistrian University of Athens); PubMed 15148145 (cited by 3 submitters); PubMed 18551513 (cited by 3 submitters); PubMed 32571898 (cited by Women's Health and Genetics/Laboratory Corporation of America, LabCorp); PubMed 30055862 (cited by OMIM).